The following is an entry in ClinVar:

NM_000051.4(ATM):c.4612-18T>C

Gene: ATM (ATM serine/threonine kinase; plus strand). Cytogenetic location: 11q22.3.
Variant type: single nucleotide variant.
Coding change: c.4612-18T>C on transcript NM_000051.4 (MANE Select); 18 bases into the intron before coding-DNA position 4612, T replaced by C.
Molecular consequence: intron variant.
Genome position (GRCh38, 1-based): chr11:108,293,295, T>C. VCF-style: chr11-108293295-T-C. GRCh37 (hg19) VCF-style: chr11-108164022-T-C.
Other names: c.4612-18T>C (NM_001351834.2).
Identifiers: ClinVar variation 2730350 (VCV002730350.4), dbSNP rs2546929867, ClinGen allele CA2697558837.

ClinVar aggregate classification (germline): Likely benign. Review status: criteria provided, multiple submitters, no conflicts (2 of 4 stars). 2 submissions from 2 submitters: Likely benign (2). Last evaluated 2024-05-20.

Conditions:
Ataxia-telangiectasia syndrome (AT). Also called: Cerebello-oculocutaneous telangiectasia; Immunodeficiency with ataxia telangiectasia; Ataxia-telangiectasia, complementation group E; Ataxia-telangiectasia, complementation group D; AT, COMPLEMENTATION GROUP C; ATAXIA-TELANGIECTASIA, COMPLEMENTATION GROUP A. Identifiers: Orphanet 100, MedGen C0004135, MONDO:0008840, OMIM 208900.
Familial cancer of breast. Also called: hereditary breast carcinoma; BREAST CANCER, FAMILIAL; Hereditary breast cancer. Identifiers: Orphanet 227535, MedGen C0346153, MONDO:0016419, OMIM 114480. Disease mechanism: loss of function.

Submissions (2):

Myriad Genetics, Inc.
Classification: Likely benign for Familial cancer of breast. Last evaluated: 2024-05-20. Review status: criteria provided, single submitter. Criteria: Myriad Autosomal Dominant, Autosomal Recessive and X-Linked Classification Criteria (2023). Collection method: clinical testing. Allele origin: unknown.
Comment: This variant is considered likely benign. This variant is intronic and is not expected to impact mRNA splicing.

Labcorp Genetics (formerly Invitae), Labcorp
Classification: Likely benign for Ataxia-telangiectasia syndrome. Last evaluated: 2023-08-30. Review status: criteria provided, single submitter. Criteria: Invitae Variant Classification Sherloc (09022015). Collection method: clinical testing. Allele origin: germline.